The following is an entry in ClinVar:

NM_018946.4(NANS):c.449-10_449-5delinsATGG

Genes: NANS (N-acetylneuraminate synthase; plus strand), TRIM14 (tripartite motif containing 14; minus strand). Cytogenetic location: 9q22.33.
Variant type: Indel.
Coding change: c.449-10_449-5delinsATGG on transcript NM_018946.4 (MANE Select); 10 bases into the intron before coding-DNA position 449 through 5 bases into the intron before coding-DNA position 449, GATTAC replaced by ATGG.
Molecular consequence: intron variant.
Genome position (GRCh38, 1-based): chr9:98,078,183-98,078,188, GATTAC replaced by ATGG. VCF-style: chr9-98078183-GATTAC-ATGG. GRCh37 (hg19) VCF-style: chr9-100840465-GATTAC-ATGG.
Identifiers: ClinVar variation 235184 (VCV000235184.5), dbSNP rs879255602, ClinGen allele CA10581235.

ClinVar aggregate classification (germline): Likely pathogenic. Review status: criteria provided, single submitter (1 of 4 stars). 2 submissions from 2 submitters: Likely pathogenic (1). 1 of the submissions does not count toward it. Last evaluated 2025-08-15.

Conditions:
Spondyloepimetaphyseal dysplasia, Genevieve type. Also called: SEMD Genevieve type; NANS DEFICIENCY. Identifiers: Orphanet 168454, MedGen C1864872, MONDO:0012495, OMIM 610442.

Submissions (2):

Labcorp Genetics (formerly Invitae), Labcorp
Classification: Likely pathogenic. Last evaluated: 2025-08-15. Review status: criteria provided, single submitter. Criteria: Invitae Variant Classification Sherloc (09022015). Collection method: clinical testing. Allele origin: germline.
Comment: This sequence change falls in intron 3 of the NANS gene. It does not directly change the encoded amino acid sequence of the NANS protein. RNA analysis indicates that this variant induces altered splicing and likely results in a shortened protein product. Information on the frequency of this variant in the gnomAD database is not available, as this variant may be reported differently in the database. This variant has been observed in individual(s) with NANS-related conditions (PMID: 27213289). It has also been observed to segregate with disease in related individuals. Studies have shown that this variant results in skipping of exons 3 and 4, but is expected to preserve the integrity of the reading-frame (PMID: 27213289). In summary, the currently available evidence indicates that the variant is pathogenic, but additional data are needed to prove that conclusively. Therefore, this variant has been classified as Likely Pathogenic.

OMIM
Classification: Pathogenic for SPONDYLOEPIMETAPHYSEAL DYSPLASIA, GENEVIEVE TYPE. Last evaluated: 2017-06-20. Review status: no assertion criteria provided. Collection method: literature only. Allele origin: germline. Not counted in ClinVar's aggregate classification.

Literature cited by the submitters: PubMed 27213289 (cited by Labcorp Genetics (formerly Invitae), Labcorp and OMIM); PubMed 8152878 (cited by OMIM).